The following is an entry in ClinVar:

NM_000059.4(BRCA2):c.7908T>A (p.Cys2636Ter)

Gene: BRCA2 (BRCA2 DNA repair associated; plus strand). Cytogenetic location: 13q13.1.
Variant type: single nucleotide variant.
Coding change: c.7908T>A on transcript NM_000059.4 (MANE Select); coding-DNA position 7908, T replaced by A.
Protein change: p.Cys2636Ter; replaces cysteine 2636 with a stop codon.
Molecular consequence: nonsense.
Genome position (GRCh38, 1-based): chr13:32,362,625, T>A. VCF-style: chr13-32362625-T-A. GRCh37 (hg19) VCF-style: chr13-32936762-T-A.
Other names: short protein forms C2636*.
Identifiers: ClinVar variation 52433 (VCV000052433.14), dbSNP rs80359016, ClinGen allele CA025327.
Genomic context (GRCh38, chr13:32,362,625, plus strand): 5'-TAGAATTTGGGTTTATAATCACTATAGATGGATCATATGGAAACTGGCAGCTATGGAATG[T>A]GCCTTTCCTAAGGAATTTGCTAATAGATGCCTAAGCCCAGAAAGGGTGCTTCTTCAACTA-3'

ClinVar aggregate classification (germline): Pathogenic. Review status: reviewed by expert panel (3 of 4 stars). 6 submissions from 6 submitters: Pathogenic (1). 5 of the submissions do not count toward it. Last evaluated 2016-09-08.

Conditions:
Hereditary breast ovarian cancer syndrome. Also called: Hereditary breast and ovarian cancer syndrome; Hereditary breast and ovarian cancer; Hereditary breast and ovarian cancer syndrome (HBOC); Breast and ovarian cancer; Hereditary breast and/or ovarian cancer syndrome; BRCA1- and BRCA2-Associated Hereditary Breast and Ovarian Cancer. Identifiers: Orphanet 145, MedGen C0677776, MeSH D061325, MONDO:0003582. Disease mechanism: loss of function.
Breast-ovarian cancer, familial, susceptibility to, 2 (BROVCA2). Also called: BRCA2 Hereditary Breast and Ovarian Cancer. Identifiers: Orphanet 145, MedGen C2675520, MONDO:0012933, OMIM 612555. Disease mechanism: loss of function.

Submissions (6):

Evidence-based Network for the Interpretation of Germline Mutant Alleles (ENIGMA)
Classification: Pathogenic for Breast-ovarian cancer, familial, susceptibility to, 2. Last evaluated: 2016-09-08. Review status: reviewed by expert panel. Criteria: ENIGMA BRCA1/2 Classification Criteria (2015). Collection method: curation. Allele origin: germline.
Comment: Variant allele predicted to encode a truncated non-functional protein.

Labcorp Genetics (formerly Invitae), Labcorp
Classification: Pathogenic for Hereditary breast ovarian cancer syndrome. Last evaluated: 2022-10-17. Review status: criteria provided, single submitter. Criteria: Invitae Variant Classification Sherloc (09022015). Collection method: clinical testing. Allele origin: germline. Not counted in ClinVar's aggregate classification.
Comment: This sequence change creates a premature translational stop signal (p.Cys2636*) in the BRCA2 gene. It is expected to result in an absent or disrupted protein product. Loss-of-function variants in BRCA2 are known to be pathogenic (PMID: 20104584). This variant is not present in population databases (gnomAD no frequency). This premature translational stop signal has been observed in individual(s) with a personal and/or family history of BRCA2-related cancers (PMID: 15131399, 29446198). This variant is also known as 8136T>A. ClinVar contains an entry for this variant (Variation ID: 52433). For these reasons, this variant has been classified as Pathogenic.

Consortium of Investigators of Modifiers of BRCA1/2 (CIMBA), c/o University of Cambridge
Classification: Pathogenic for Breast-ovarian cancer, familial, susceptibility to, 2. Last evaluated: 2015-10-02. Review status: criteria provided, single submitter. Criteria: CIMBA Mutation Classification guidelines May 2016. Collection method: clinical testing. Allele origin: germline. Not counted in ClinVar's aggregate classification.

Research Molecular Genetics Laboratory, Women's College Hospital, University of Toronto
Classification: Pathogenic for Hereditary breast ovarian cancer syndrome. Last evaluated: 2014-01-31. Review status: no assertion criteria provided. Collection method: research. Allele origin: germline. Affected: yes. Study: The Canadian Open Genetics Repository (COGR). Not counted in ClinVar's aggregate classification.

Breast Cancer Information Core (BIC) (BRCA2)
Classification: Pathogenic for Breast-ovarian cancer, familial 2. Review status: no assertion criteria provided. Collection method: clinical testing. Allele origin: germline. Affected: yes. Observed: 1 variant allele. Not counted in ClinVar's aggregate classification.

Department of Pathology and Laboratory Medicine, Sinai Health System
Classification: Pathogenic for Breast-ovarian cancer, familial, susceptibility to, 2. Review status: no assertion criteria provided. Collection method: clinical testing. Allele origin: unknown. Affected: yes. Study: The Canadian Open Genetics Repository (COGR). Not counted in ClinVar's aggregate classification.
Comment: The p.Cys2636X variant has been previously reported in 1 of 880 proband chromosomes in an individual with breast and/or ovarian cancer; population controls were not included in this study (Lubinski 2004). It is listed in the dbSNP database as coming from a "clinical source" (ID#: rs80359016) with no frequency information provided, so the population frequency is not known. The p.Cys2636X variant leads to a premature stop codon at position 2636, which is predicted to cause a truncated or absent protein product and loss of function. Loss of function of the BRCA2 gene is an established disease mechanism in hereditary breast and ovarian cancer patients. In summary, based on the above information, this variant is classified as pathogenic.

Literature cited by the submitters: PubMed 20104584 (cited by Labcorp Genetics (formerly Invitae), Labcorp); PubMed 15131399 (cited by Labcorp Genetics (formerly Invitae), Labcorp); PubMed 29446198 (cited by Labcorp Genetics (formerly Invitae), Labcorp).